The following is an entry in ClinVar:

ClinVar aggregate classification (germline): Conflicting classifications of pathogenicity. Review status: criteria provided, conflicting classifications (1 of 4 stars). 2 submissions from 2 submitters: Uncertain significance (1); Likely benign (1). Last evaluated 2023-11-02.

Allele frequency attached by ClinVar (database versions not stated): gnomAD exomes below 0.00001 and 0.00001; TOPMed below 0.00001; ExAC 0.00001; gnomAD 0.00001.
gnomAD v4.1: 5 of 1,207,571 alleles (0.00041%); highest among the groups gnomAD compares: Non-Finnish European, 0.00056%; no homozygotes.

Submissions (2):

Labcorp Genetics (formerly Invitae), Labcorp
Classification: Likely benign. Last evaluated: 2023-11-02. Review status: criteria provided, single submitter. Criteria: Invitae Variant Classification Sherloc (09022015). Collection method: clinical testing. Allele origin: germline.

GeneDx
Classification: Uncertain significance. Last evaluated: 2021-08-27. Review status: criteria provided, single submitter. Criteria: GeneDx Variant Classification Process June 2021. Collection method: clinical testing. Allele origin: germline. Affected: yes.
Comment: Has not been previously published as pathogenic or benign to our knowledge; In silico analysis supports that this missense variant does not alter protein structure/function

NM_031407.7(HUWE1):c.10145G>C (p.Ser3382Thr)

Gene: HUWE1 (HECT, UBA and WWE domain containing E3 ubiquitin protein ligase 1; minus strand). Cytogenetic location: Xp11.22.
Variant type: single nucleotide variant.
Coding change: c.10145G>C on transcript NM_031407.7 (MANE Select); coding-DNA position 10145, G replaced by C.
Protein change: p.Ser3382Thr; replaces serine 3382 with threonine.
Molecular consequence: missense variant.
Genome position (GRCh38, 1-based): chrX:53,548,164, C>G on the plus strand (G>C on the coding strand, the complement: HUWE1 is on the minus strand). VCF-style: chrX-53548164-C-G. GRCh37 (hg19) VCF-style: chrX-53575125-C-G.
Other names: short protein forms S3382T.
Identifiers: ClinVar variation 1254821 (VCV001254821.5), dbSNP rs782307186, ClinGen allele CA10421573.
Genomic context (GRCh38, chrX:53,548,164, plus strand): 5'-CGGCTGACATTCATGTTGTCCAGTTTTACCAATAAGTCCCAGAAGTCTGTGCAAATGCCA[C>G]TGCTGGAGGACTGTGAGGAGCATGGGCTACAGGCCTTATTGCCCCTTTCCCGATCACTCT-3'
Protein context (NP_113584.3, residues 3372-3392): CSPCSSQSSS[Ser3382Thr]GICTDFWDLL